The following is an entry in ClinVar:

NM_022168.4(IFIH1):c.2976A>C (p.Lys992Asn)

Gene: IFIH1 (interferon induced with helicase C domain 1; minus strand). Cytogenetic location: 2q24.2.
Variant type: single nucleotide variant.
Coding change: c.2976A>C on transcript NM_022168.4 (MANE Select); coding-DNA position 2976, A replaced by C.
Protein change: p.Lys992Asn; replaces lysine 992 with asparagine.
Molecular consequence: missense variant.
Genome position (GRCh38, 1-based): chr2:162,267,302, T>G on the plus strand (A>C on the coding strand, the complement: IFIH1 is on the minus strand). VCF-style: chr2-162267302-T-G. GRCh37 (hg19) VCF-style: chr2-163123812-T-G.
Other names: short protein forms K992N.
Identifiers: ClinVar variation 4789303 (VCV004789303.1).
Genomic context (GRCh38, chr2:162,267,302, plus strand): 5'-ATTGGGAAATGTGATAGGTAATTCTACCCACTTTTTGTATTGTTTCTTTGTTGAATTATT[T>G]TTGAAAACCACTACAAAATTCCTTATTTTGAGACAAGGCAAATCTAAGCCTTTGTGCACC-3'
Protein context (NP_071451.2, residues 982-1002): LKIRNFVVVF[Lys992Asn]NNSTKKQYKK

ClinVar aggregate classification (germline): Uncertain significance (1 of 4 stars; one submission).

Conditions:
Singleton-Merten syndrome 1 (SGMRT1). Also called: Widened medullary cavities of bone, aortic calcification, abnormal dentition, and muscular weakness; Syndrome of widened medullary cavities of the metacarpals and phalanges, aortic calcification and abnormal dentition. Identifiers: Orphanet 85191, MedGen C4225427, MONDO:0024535, OMIM 182250.
Aicardi-Goutieres syndrome 7 (AGS7). Identifiers: Orphanet 51, MedGen C3888244, MONDO:0014367, OMIM 615846.

Submission:

Labcorp Genetics (formerly Invitae), Labcorp
Classification: Uncertain significance for Aicardi-Goutieres syndrome 7; Singleton-Merten syndrome 1. Last evaluated: 2026-01-29. Review status: criteria provided, single submitter. Criteria: Invitae Variant Classification Sherloc (09022015). Collection method: clinical testing. Allele origin: germline.
Comment: This sequence change replaces lysine, which is basic and polar, with asparagine, which is neutral and polar, at codon 992 of the IFIH1 protein (p.Lys992Asn). This variant is not present in population databases (gnomAD no frequency). This variant has not been reported in the literature in individuals affected with IFIH1-related conditions. Invitae Evidence Modeling of protein sequence and biophysical properties (such as structural, functional, and spatial information, amino acid conservation, physicochemical variation, residue mobility, and thermodynamic stability) has been performed for this missense variant. However, the output from this modeling did not meet the statistical confidence thresholds required to predict the impact of this variant on IFIH1 protein function. Algorithms developed to predict the effect of sequence changes on RNA splicing suggest that this variant may create or strengthen a splice site. In summary, the available evidence is currently insufficient to determine the role of this variant in disease. Therefore, it has been classified as a Variant of Uncertain Significance.